The following is an entry in ClinVar:

ClinVar aggregate classification (germline): Uncertain significance (1 of 4 stars; one submission).

Allele frequency attached by ClinVar (database versions not stated): TOPMed 0.00002; ExAC 0.00003; gnomAD 0.00003; gnomAD exomes 0.00005.
gnomAD v4.1: 80 of 1,613,632 alleles (0.005%); highest among the groups gnomAD compares: Non-Finnish European, 0.0064%; no homozygotes.

Submission:

Labcorp Genetics (formerly Invitae), Labcorp
Classification: Uncertain significance. Last evaluated: 2024-10-23. Review status: criteria provided, single submitter. Criteria: Invitae Variant Classification Sherloc (09022015). Collection method: clinical testing. Allele origin: germline.
Comment: This sequence change replaces leucine, which is neutral and non-polar, with phenylalanine, which is neutral and non-polar, at codon 1004 of the DOCK6 protein (p.Leu1004Phe). This variant is present in population databases (rs752666601, gnomAD 0.01%). This variant has not been reported in the literature in individuals affected with DOCK6-related conditions. ClinVar contains an entry for this variant (Variation ID: 1897877). Invitae Evidence Modeling of protein sequence and biophysical properties (such as structural, functional, and spatial information, amino acid conservation, physicochemical variation, residue mobility, and thermodynamic stability) indicates that this missense variant is expected to disrupt DOCK6 protein function with a positive predictive value of 80%. In summary, the available evidence is currently insufficient to determine the role of this variant in disease. Therefore, it has been classified as a Variant of Uncertain Significance.

NM_020812.4(DOCK6):c.3010C>T (p.Leu1004Phe)

Gene: DOCK6 (dedicator of cytokinesis 6; minus strand). Cytogenetic location: 19p13.2.
Variant type: single nucleotide variant.
Coding change: c.3010C>T on transcript NM_020812.4 (MANE Select); coding-DNA position 3010, C replaced by T.
Protein change: p.Leu1004Phe; replaces leucine 1004 with phenylalanine.
Molecular consequence: missense variant.
Genome position (GRCh38, 1-based): chr19:11,223,052, G>A on the plus strand (C>T on the coding strand, the complement: DOCK6 is on the minus strand). VCF-style: chr19-11223052-G-A. GRCh37 (hg19) VCF-style: chr19-11333728-G-A.
Other names: c.3115C>T, p.Leu1039Phe (NM_001367830.1); short protein forms L1039F, L1004F.
Identifiers: ClinVar variation 1897877 (VCV001897877.5), dbSNP rs752666601, ClinGen allele CA9207396.